The following is an entry in ClinVar:

NM_001042492.3(NF1):c.7457+3A>G

Gene: NF1 (neurofibromin 1; plus strand). Cytogenetic location: 17q11.2.
Variant type: single nucleotide variant.
Coding change: c.7457+3A>G on transcript NM_001042492.3 (MANE Select); 3 bases into the intron after coding-DNA position 7457, A replaced by G.
Molecular consequence: intron variant.
Genome position (GRCh38, 1-based): chr17:31,350,321, A>G. VCF-style: chr17-31350321-A-G. GRCh37 (hg19) VCF-style: chr17-29677339-A-G.
Other names: c.7394+3A>G (NM_000267.4).
Identifiers: ClinVar variation 457846 (VCV000457846.5), dbSNP rs1555536170, ClinGen allele CA658658602.
Genomic context (GRCh38, chr17:31,350,321, plus strand): 5'-CAATGGAAAATGTTCCTATGGATACATATCCCATTCATCATGGTGACCCTTCCTATAGGT[A>G]AGTGGATTTACTCTCCTATAATTACATAATCATAATCAAGTTTCAATTTTCCAACTAATG-3'

ClinVar aggregate classification (germline): Uncertain significance (1 of 4 stars; one submission).

Conditions:
Neurofibromatosis, type 1 (NF1). Also called: VON RECKLINGHAUSEN DISEASE; NEUROFIBROMATOSIS, TYPE I, SOMATIC; Peripheral type neurofibromatosis; Neurofibromatosis, type I. Identifiers: Orphanet 636, MedGen C0027831, MONDO:0018975, OMIM 162200. Disease mechanism: loss of function.

Submission:

Labcorp Genetics (formerly Invitae), Labcorp
Classification: Uncertain significance for Neurofibromatosis, type 1. Last evaluated: 2017-04-13. Review status: criteria provided, single submitter. Criteria: Invitae Variant Classification Sherloc (09022015). Collection method: clinical testing. Allele origin: germline.
Comment: In summary, this is a novel intronic change with uncertain impact on splicing. It has been classified as a Variant of Uncertain Significance. Nucleotide substitutions within the consensus splice site are relatively common causes of aberrant splicing (PMID: 17576681, 9536098) but according to multiple splice site algorithms this particular variant is not predicted to significantly affect splicing. These predictions have not been confirmed by published functional studies. This variant is not present in population databases (ExAC no frequency) and has not been reported in the literature in individuals with a NF1-related disease. This sequence change falls in intron 49 of the NF1 gene. It does not directly change the encoded amino acid sequence of the NF1 protein, but it affects a nucleotide within the consensus splice site of the intron.

Literature cited by the submitters: PubMed 17576681; PubMed 9536098.